The following is an entry in ClinVar:

ClinVar aggregate classification (germline): Uncertain significance (1 of 4 stars; one submission).

Conditions:
Developmental and epileptic encephalopathy, 27 (DEE27). Also called: Epileptic encephalopathy, early infantile, 27; GRIN2B-Related Neurodevelopmental Disorder. Identifiers: Orphanet 3451, MedGen C4015316, MONDO:0014505, OMIM 616139.
Intellectual developmental disorder, autosomal dominant 6, with or without seizures. Also called: Intellectual disability, autosomal dominant 6; GRIN2B-related developmental delay, intellectual disability and autism spectrum disorder. Identifiers: Orphanet 589547, MedGen C3151411, MONDO:0013509, OMIM 613970.

Submission:

Labcorp Genetics (formerly Invitae), Labcorp
Classification: Uncertain significance for Developmental and epileptic encephalopathy, 27; Intellectual developmental disorder, autosomal dominant 6, with or without seizures. Last evaluated: 2024-02-24. Review status: criteria provided, single submitter. Criteria: Invitae Variant Classification Sherloc (09022015). Collection method: clinical testing. Allele origin: germline.
Comment: This sequence change replaces serine, which is neutral and polar, with tyrosine, which is neutral and polar, at codon 471 of the GRIN2B protein (p.Ser471Tyr). This variant is not present in population databases (gnomAD no frequency). This variant has not been reported in the literature in individuals affected with GRIN2B-related conditions. Advanced modeling of protein sequence and biophysical properties (such as structural, functional, and spatial information, amino acid conservation, physicochemical variation, residue mobility, and thermodynamic stability) performed at Invitae indicates that this missense variant is not expected to disrupt GRIN2B protein function with a negative predictive value of 95%. In summary, the available evidence is currently insufficient to determine the role of this variant in disease. Therefore, it has been classified as a Variant of Uncertain Significance.

NM_000834.5(GRIN2B):c.1412C>A (p.Ser471Tyr)

Gene: GRIN2B (glutamate ionotropic receptor NMDA type subunit 2B; minus strand). Cytogenetic location: 12p13.1.
Variant type: single nucleotide variant.
Coding change: c.1412C>A on transcript NM_000834.5 (MANE Select); coding-DNA position 1412, C replaced by A.
Protein change: p.Ser471Tyr; replaces serine 471 with tyrosine.
Molecular consequence: missense variant.
Genome position (GRCh38, 1-based): chr12:13,615,581, G>T on the plus strand (C>A on the coding strand, the complement: GRIN2B is on the minus strand). VCF-style: chr12-13615581-G-T. GRCh37 (hg19) VCF-style: chr12-13768515-G-T.
Other names: c.1412C>A, p.Ser471Tyr (NM_001413992.1); short protein forms S471Y.
Identifiers: ClinVar variation 3754917 (VCV003754917.2).